The following is an entry in ClinVar:

NM_005045.4(RELN):c.1556T>C (p.Val519Ala)

Gene: RELN (reelin; minus strand). Cytogenetic location: 7q22.1.
Variant type: single nucleotide variant.
Coding change: c.1556T>C on transcript NM_005045.4 (MANE Select); coding-DNA position 1556, T replaced by C.
Protein change: p.Val519Ala; replaces valine 519 with alanine.
Molecular consequence: missense variant.
Genome position (GRCh38, 1-based): chr7:103,652,758, A>G on the plus strand (T>C on the coding strand, the complement: RELN is on the minus strand). VCF-style: chr7-103652758-A-G. GRCh37 (hg19) VCF-style: chr7-103293205-A-G.
Other names: c.1556T>C, p.Val519Ala (NM_173054.3); short protein forms V519A.
Identifiers: ClinVar variation 863275 (VCV000863275.9), dbSNP rs1832948997, ClinGen allele CA368766069.
Genomic context (GRCh38, chr7:103,652,758, plus strand): 5'-CAAAATTTGGTAGCAGGAGTCTGAAGTTCAGGATTGATGACCACAGAAACCAAAGACGGA[A>G]CCTTTCAAACAAAGGAGACCAGAATCACTCAAAATCCTTTCTAGGCTAGTCCATGTAAAT-3'
Protein context (NP_005036.2, residues 509-529): LDTLSYSSYK[Val519Ala]PSLVSVVINP

ClinVar aggregate classification (germline): Uncertain significance (1 of 4 stars; one submission).

Conditions:
Familial temporal lobe epilepsy 7. Identifiers: Orphanet 101046, MedGen C4225327, MONDO:0014639, OMIM 616436.
Norman-Roberts syndrome (LIS2). Also called: Lissencephaly 2 (Norman-Roberts type). Identifiers: Orphanet 89844, MedGen C0796089, MONDO:0009760, OMIM 257320.

Submission:

Labcorp Genetics (formerly Invitae), Labcorp
Classification: Uncertain significance for Familial temporal lobe epilepsy 7; Norman-Roberts syndrome. Last evaluated: 2025-02-24. Review status: criteria provided, single submitter. Criteria: Invitae Variant Classification Sherloc (09022015). Collection method: clinical testing. Allele origin: germline.
Comment: This sequence change replaces valine, which is neutral and non-polar, with alanine, which is neutral and non-polar, at codon 519 of the RELN protein (p.Val519Ala). This variant is not present in population databases (gnomAD no frequency). This variant has not been reported in the literature in individuals affected with RELN-related conditions. ClinVar contains an entry for this variant (Variation ID: 863275). An algorithm developed to predict the effect of missense changes on protein structure and function (PolyPhen-2) suggests that this variant is likely to be tolerated. In summary, the available evidence is currently insufficient to determine the role of this variant in disease. Therefore, it has been classified as a Variant of Uncertain Significance.